The following is an entry in ClinVar:

ClinVar aggregate classification (germline): Pathogenic (1 of 4 stars; one submission).

Submission:

Labcorp Genetics (formerly Invitae), Labcorp
Classification: Pathogenic. Last evaluated: 2023-08-07. Review status: criteria provided, single submitter. Criteria: Invitae Variant Classification Sherloc (09022015). Collection method: clinical testing. Allele origin: germline.
Comment: For these reasons, this variant has been classified as Pathogenic. Algorithms developed to predict the effect of sequence changes on RNA splicing suggest that this variant may disrupt the consensus splice site. Disruption of this splice site has been observed in individuals with oculocutaneous albinism (PMID: 27734839; Invitae). This variant is not present in population databases (gnomAD no frequency). This sequence change affects a donor splice site in intron 14 of the OCA2 gene. It is expected to disrupt RNA splicing. Variants that disrupt the donor or acceptor splice site typically lead to a loss of protein function (PMID: 16199547), and loss-of-function variants in OCA2 are known to be pathogenic (PMID: 19865097, 21541274).

Literature cited by the submitters: PubMed 27734839; PubMed 16199547; PubMed 19865097; PubMed 21541274.

NM_000275.3(OCA2):c.1503+1G>A

Gene: OCA2 (OCA2 melanosomal transmembrane protein; minus strand). Cytogenetic location: 15q13.1.
Variant type: single nucleotide variant.
Coding change: c.1503+1G>A on transcript NM_000275.3 (MANE Select); the canonical splice donor site of the intron after coding-DNA position 1503, G replaced by A.
Molecular consequence: splice donor variant.
Genome position (GRCh38, 1-based): chr15:27,983,344, C>T on the plus strand (G>A on the coding strand, the complement: OCA2 is on the minus strand). VCF-style: chr15-27983344-C-T. GRCh37 (hg19) VCF-style: chr15-28228490-C-T.
Other names: c.1431+1G>A (NM_001300984.2).
Identifiers: ClinVar variation 3006897 (VCV003006897.3), dbSNP rs2041230041, ClinGen allele CA391359145.